The following is an entry in ClinVar:

NM_000038.6(APC):c.5083A>T (p.Arg1695Ter)

Gene: APC (APC regulator of Wnt signaling pathway; plus strand). Cytogenetic location: 5q22.2.
Variant type: single nucleotide variant.
Coding change: c.5083A>T on transcript NM_000038.6 (MANE Select); coding-DNA position 5083, A replaced by T.
Protein change: p.Arg1695Ter; replaces arginine 1695 with a stop codon.
Molecular consequence: nonsense. On other transcripts: non-coding transcript variant (2).
Genome position (GRCh38, 1-based): chr5:112,840,677, A>T. VCF-style: chr5-112840677-A-T. GRCh37 (hg19) VCF-style: chr5-112176374-A-T.
Other names: c.5083A>T, p.Arg1695Ter (NM_001127510.3, NM_001354895.2, NM_001407450.1); c.5029A>T, p.Arg1677Ter (NM_001127511.3); c.5137A>T, p.Arg1713Ter (NM_001354896.2, NM_001407447.1, NM_001407448.1 and 1 more transcripts); c.5113A>T, p.Arg1705Ter (NM_001354897.2); c.5008A>T, p.Arg1670Ter (NM_001354898.2); c.4999A>T, p.Arg1667Ter (NM_001354899.2); c.4960A>T, p.Arg1654Ter (NM_001354900.2); c.4906A>T, p.Arg1636Ter (NM_001354901.2, NM_001407453.1); and 11 more; short protein forms R1311*, R1412*, R1535*, R1566*, R1569*, R1594*, R1604*, R1612*.
Identifiers: ClinVar variation 2583246 (VCV002583246.2), dbSNP rs555019540, ClinGen allele CA16032443.

ClinVar aggregate classification (germline): Pathogenic (1 of 4 stars; one submission).

Conditions:
Familial adenomatous polyposis 1 (FAP1). Also called: POLYPOSIS, ADENOMATOUS INTESTINAL; FAMILIAL ADENOMATOUS POLYPOSIS 1, ATTENUATED. Identifiers: MedGen C2713442, MONDO:0021056, OMIM 175100. Disease mechanism: loss of function.

Submission:

Myriad Genetics, Inc.
Classification: Pathogenic for Familial adenomatous polyposis 1. Last evaluated: 2023-05-12. Review status: criteria provided, single submitter. Criteria: Myriad Autosomal Dominant, Autosomal Recessive and X-Linked Classification Criteria (2023). Collection method: clinical testing. Allele origin: unknown.
Comment: This variant is considered pathogenic. This variant creates a termination codon and is predicted to result in premature protein truncation.